The following is an entry in ClinVar:

ClinVar aggregate classification (germline): Uncertain significance (1 of 4 stars; one submission).

Allele frequency attached by ClinVar (database versions not stated): gnomAD exomes below 0.00001.

Submission:

Labcorp Genetics (formerly Invitae), Labcorp
Classification: Uncertain significance. Last evaluated: 2021-02-09. Review status: criteria provided, single submitter. Criteria: Invitae Variant Classification Sherloc (09022015). Collection method: clinical testing. Allele origin: germline.
Comment: In summary, the available evidence is currently insufficient to determine the role of this variant in disease. Therefore, it has been classified as a Variant of Uncertain Significance. Algorithms developed to predict the effect of missense changes on protein structure and function (SIFT, PolyPhen-2, Align-GVGD) all suggest that this variant is likely to be tolerated, but these predictions have not been confirmed by published functional studies and their clinical significance is uncertain. This variant has not been reported in the literature in individuals with TULP1-related conditions. This variant is not present in population databases (ExAC no frequency). This sequence change replaces serine with threonine at codon 22 of the TULP1 protein (p.Ser22Thr). The serine residue is weakly conserved and there is a small physicochemical difference between serine and threonine.

NM_003322.6(TULP1):c.65G>C (p.Ser22Thr)

Gene: TULP1 (TUB like protein 1; minus strand). Cytogenetic location: 6p21.31.
Variant type: single nucleotide variant.
Coding change: c.65G>C on transcript NM_003322.6 (MANE Select); coding-DNA position 65, G replaced by C.
Protein change: p.Ser22Thr; replaces serine 22 with threonine.
Molecular consequence: missense variant.
Genome position (GRCh38, 1-based): chr6:35,512,673, C>G on the plus strand (G>C on the coding strand, the complement: TULP1 is on the minus strand). VCF-style: chr6-35512673-C-G. GRCh37 (hg19) VCF-style: chr6-35480450-C-G.
Other names: c.65G>C, p.Ser22Thr (NM_001289395.2); short protein forms S22T.
Identifiers: ClinVar variation 954736 (VCV000954736.8), dbSNP rs1228631375, ClinGen allele CA363785329.